The following is an entry in ClinVar:

NM_001735.3(C5):c.4081-2A>G

Gene: C5 (complement C5; minus strand). Cytogenetic location: 9q33.2.
Variant type: single nucleotide variant.
Coding change: c.4081-2A>G on transcript NM_001735.3 (MANE Select); the canonical splice acceptor site of the intron before coding-DNA position 4081, A replaced by G.
Molecular consequence: splice acceptor variant.
Genome position (GRCh38, 1-based): chr9:120,970,253, T>C on the plus strand (A>G on the coding strand, the complement: C5 is on the minus strand). VCF-style: chr9-120970253-T-C. GRCh37 (hg19) VCF-style: chr9-123732531-T-C.
Other names: c.4099-2A>G (NM_001317163.2).
Identifiers: ClinVar variation 3692406 (VCV003692406.2).

ClinVar aggregate classification (germline): Likely pathogenic (1 of 4 stars; one submission).

Submission:

Labcorp Genetics (formerly Invitae), Labcorp
Classification: Likely pathogenic. Last evaluated: 2025-02-09. Review status: criteria provided, single submitter. Criteria: Invitae Variant Classification Sherloc (09022015). Collection method: clinical testing. Allele origin: germline.
Comment: This sequence change affects an acceptor splice site in intron 31 of the C5 gene. It is expected to disrupt RNA splicing. Variants that disrupt the donor or acceptor splice site typically lead to a loss of protein function (PMID: 16199547), and loss-of-function variants in C5 are known to be pathogenic (PMID: 7730648, 19414197, 27026170). This variant is not present in population databases (gnomAD no frequency). This variant has not been reported in the literature in individuals affected with C5-related conditions. Algorithms developed to predict the effect of sequence changes on RNA splicing suggest that this variant may disrupt the consensus splice site. In summary, the currently available evidence indicates that the variant is pathogenic, but additional data are needed to prove that conclusively. Therefore, this variant has been classified as Likely Pathogenic.

Literature cited by the submitters: PubMed 16199547; PubMed 7730648; PubMed 19414197; PubMed 27026170.